The following is an entry in ClinVar:

ClinVar aggregate classification (germline): Uncertain significance (1 of 4 stars; one submission).

Conditions:
FTH1-related disorder. Also called: FTH1-related condition.

Submission:

PreventionGenetics, part of Exact Sciences
Classification: Uncertain significance for FTH1-related condition. Last evaluated: 2024-12-01. Review status: criteria provided, single submitter. Criteria: ACMG Guidelines, 2015. Collection method: clinical testing. Allele origin: germline.
Comment: The FTH1 c.164A>T variant is predicted to result in the amino acid substitution p.Tyr55Phe. To our knowledge, this variant has not been reported in the literature or in a large population database (gnomAD), indicating this variant is rare. At this time, the clinical significance of this variant is uncertain due to the absence of conclusive functional and genetic evidence.

NM_002032.3(FTH1):c.164A>T (p.Tyr55Phe)

Genes: FTH1 (ferritin heavy chain 1; minus strand), BEST1 (bestrophin 1; plus strand). Cytogenetic location: 11q12.3.
Variant type: single nucleotide variant.
Coding change: c.164A>T on transcript NM_002032.3 (MANE Select); coding-DNA position 164, A replaced by T.
Protein change: p.Tyr55Phe; replaces tyrosine 55 with phenylalanine.
Molecular consequence: missense variant.
Genome position (GRCh38, 1-based): chr11:61,965,466, T>A on the plus strand (A>T on the coding strand, the complement: FTH1 is on the minus strand). VCF-style: chr11-61965466-T-A. GRCh37 (hg19) VCF-style: chr11-61732938-T-A.
Other names: short protein forms Y55F.
Identifiers: ClinVar variation 4997274 (VCV004997274.1).
Genomic context (GRCh38, chr11:61,965,466, plus strand): 5'-TTCTGCAGCTTCATCAGTTTCTCAGCATGTTCCCTCTCCTCATGAGATTGGTGAAGAAAG[T>A]ATTTGGCAAAGTTCTTCAAAGCCACATCATCGCGGTCAAAGTAGTAAGACTGAAAGGGGA-3'
Protein context (NP_002023.2, residues 45-65): DDVALKNFAK[Tyr55Phe]FLHQSHEERE